The following is an entry in ClinVar:

NM_000075.4(CDK4):c.633-5C>T

Genes: TSPAN31 (tetraspanin 31; plus strand), CDK4 (cyclin dependent kinase 4; minus strand). Cytogenetic location: 12q14.1.
Variant type: single nucleotide variant.
Coding change: c.633-5C>T on transcript NM_000075.4 (MANE Select); 5 bases into the intron before coding-DNA position 633, C replaced by T.
Molecular consequence: intron variant. On other transcripts: 3 prime UTR variant (3).
Genome position (GRCh38, 1-based): chr12:57,749,509, G>A on the plus strand (C>T on the coding strand, the complement: CDK4 is on the minus strand). VCF-style: chr12-57749509-G-A. GRCh37 (hg19) VCF-style: chr12-58143292-G-A.
Other names: c.*2219G>A (NM_001330168.2, NM_001330169.2, NM_005981.5).
Identifiers: ClinVar variation 3233673 (VCV003233673.3), dbSNP rs2140384005, ClinGen allele CA2619493080.

ClinVar aggregate classification (germline): Conflicting classifications of pathogenicity. Review status: criteria provided, conflicting classifications (1 of 4 stars). 2 submissions from 2 submitters: Uncertain significance (1); Likely benign (1). Last evaluated 2024-09-26.

Conditions:
Melanoma, cutaneous malignant, susceptibility to, 3. Also called: Cutaneous malignant melanoma 3. Identifiers: Orphanet 618, MedGen C1836892, MONDO:0012183, OMIM 609048.

Allele frequency attached by ClinVar (database versions not stated): gnomAD exomes below 0.00001.
gnomAD v4.1: 1 of 1,613,964 alleles (0.000062%); highest among the groups gnomAD compares: Non-Finnish European, 0.000085%; no homozygotes.

Submissions (2):

Myriad Genetics, Inc.
Classification: Likely benign for Melanoma, cutaneous malignant, susceptibility to, 3. Last evaluated: 2024-09-26. Review status: criteria provided, single submitter. Criteria: Myriad Autosomal Dominant, Autosomal Recessive and X-Linked Classification Criteria (2023). Collection method: clinical testing. Allele origin: unknown.
Comment: This variant is considered likely benign. This variant is intronic and is not expected to impact mRNA splicing.

Women's Health and Genetics/Laboratory Corporation of America, LabCorp
Classification: Uncertain significance. Last evaluated: 2024-03-04. Review status: criteria provided, single submitter. Criteria: LabCorp Variant Classification Summary - May 2015. Collection method: clinical testing. Allele origin: germline.